The following is an entry in ClinVar:

ClinVar aggregate classification (germline): Uncertain significance (1 of 4 stars; one submission).

Submission:

GeneDx
Classification: Uncertain significance. Last evaluated: 2024-02-12. Review status: criteria provided, single submitter. Criteria: GeneDx Variant Classification Process June 2021. Collection method: clinical testing. Allele origin: germline. Affected: yes.
Comment: Not observed at significant frequency in large population cohorts (gnomAD); In silico analysis indicates that this missense variant does not alter protein structure/function; Has not been previously published as pathogenic or benign to our knowledge

NM_002971.6(SATB1):c.1135G>A (p.Val379Ile)

Gene: SATB1 (SATB homeobox 1; minus strand). Cytogenetic location: 3p24.3.
Variant type: single nucleotide variant.
Coding change: c.1135G>A on transcript NM_002971.6 (MANE Select); coding-DNA position 1135, G replaced by A.
Protein change: p.Val379Ile; replaces valine 379 with isoleucine.
Molecular consequence: missense variant.
Genome position (GRCh38, 1-based): chr3:18,394,533, C>T on the plus strand (G>A on the coding strand, the complement: SATB1 is on the minus strand). VCF-style: chr3-18394533-C-T. GRCh37 (hg19) VCF-style: chr3-18436025-C-T.
Other names: c.1135G>A, p.Val379Ile (NM_001131010.4, NM_001195470.3, NM_001322871.2 and 4 more transcripts); c.919G>A, p.Val307Ile (NM_001322876.2); short protein forms V307I, V379I.
Identifiers: ClinVar variation 3369042 (VCV003369042.1).